The following is an entry in ClinVar:

NM_002227.4(JAK1):c.611A>T (p.Lys204Met)

Gene: JAK1 (Janus kinase 1; minus strand). Cytogenetic location: 1p31.3.
Variant type: single nucleotide variant.
Coding change: c.611A>T on transcript NM_002227.4 (MANE Select); coding-DNA position 611, A replaced by T.
Protein change: p.Lys204Met; replaces lysine 204 with methionine.
Molecular consequence: missense variant.
Genome position (GRCh38, 1-based): chr1:64,869,347, T>A on the plus strand (A>T on the coding strand, the complement: JAK1 is on the minus strand). VCF-style: chr1-64869347-T-A. GRCh37 (hg19) VCF-style: chr1-65335030-T-A.
Other names: c.611A>T, p.Lys204Met (NM_001320923.2, NM_001321852.2, NM_001321853.2 and 4 more transcripts); short protein forms K204M.
Identifiers: ClinVar variation 3003014 (VCV003003014.3), dbSNP rs1201845023, ClinGen allele CA340676828.

ClinVar aggregate classification (germline): Uncertain significance (1 of 4 stars; one submission).

Allele frequency attached by ClinVar (database versions not stated): TOPMed below 0.00001; gnomAD 0.00001.
gnomAD v4.1: 6 of 1,614,024 alleles (0.00037%); highest among the groups gnomAD compares: Middle Eastern, 0.016%; no homozygotes.

Submission:

Labcorp Genetics (formerly Invitae), Labcorp
Classification: Uncertain significance. Last evaluated: 2024-07-03. Review status: criteria provided, single submitter. Criteria: Invitae Variant Classification Sherloc (09022015). Collection method: clinical testing. Allele origin: germline.
Comment: This sequence change replaces lysine, which is basic and polar, with methionine, which is neutral and non-polar, at codon 204 of the JAK1 protein (p.Lys204Met). This variant is not present in population databases (gnomAD no frequency). This variant has not been reported in the literature in individuals affected with JAK1-related conditions. Advanced modeling of protein sequence and biophysical properties (such as structural, functional, and spatial information, amino acid conservation, physicochemical variation, residue mobility, and thermodynamic stability) performed at Invitae indicates that this missense variant is not expected to disrupt JAK1 protein function with a negative predictive value of 80%. In summary, the available evidence is currently insufficient to determine the role of this variant in disease. Therefore, it has been classified as a Variant of Uncertain Significance.